The following is an entry in ClinVar:

ClinVar aggregate classification (germline): Likely benign (1 of 4 stars; one submission).

gnomAD v4.1: 2 of 1,280,658 alleles (0.00016%); highest among the groups gnomAD compares: South Asian, 0.0013%; no homozygotes.

Submission:

CeGaT Center for Human Genetics Tuebingen
Classification: Likely benign. Last evaluated: 2025-07-01. Review status: criteria provided, single submitter. Criteria: CeGaT Center For Human Genetics Tuebingen Variant Classification Criteria Version 2. Collection method: clinical testing. Allele origin: germline. Affected: yes. Observed: 1 variant allele.
Comment: SETD1B: BP4, BP7

NM_001353345.2(SETD1B):c.4809G>A (p.Lys1603=)

Gene: SETD1B (SET domain containing 1B, histone lysine methyltransferase; plus strand). Cytogenetic location: 12q24.31.
Variant type: single nucleotide variant.
Coding change: c.4809G>A on transcript NM_001353345.2 (MANE Select); coding-DNA position 4809, G replaced by A.
Protein change: p.Lys1603=; no amino-acid change (lysine 1603 retained).
Molecular consequence: synonymous variant.
Genome position (GRCh38, 1-based): chr12:121,823,388, G>A. VCF-style: chr12-121823388-G-A. GRCh37 (hg19) VCF-style: chr12-122261294-G-A.
Identifiers: ClinVar variation 4085099 (VCV004085099.8).